The following is an entry in ClinVar:

NM_003640.5(ELP1):c.959-44T>G

Gene: ELP1 (elongator acetyltransferase complex subunit 1; minus strand). Cytogenetic location: 9q31.3.
Variant type: single nucleotide variant.
Coding change: c.959-44T>G on transcript NM_003640.5 (MANE Select); 44 bases into the intron before coding-DNA position 959, T replaced by G.
Molecular consequence: intron variant.
Genome position (GRCh38, 1-based): chr9:108,912,538, A>C on the plus strand (T>G on the coding strand, the complement: ELP1 is on the minus strand). VCF-style: chr9-108912538-A-C. GRCh37 (hg19) VCF-style: chr9-111674818-A-C.
Other names: c.617-44T>G (NM_001318360.2); c.-89-44T>G (NM_001330749.2).
Identifiers: ClinVar variation 670401 (VCV000670401.2), dbSNP rs74919405, ClinGen allele CA5175169.

ClinVar aggregate classification (germline): Likely benign. Review status: criteria provided, multiple submitters, no conflicts (2 of 4 stars). 2 submissions from 2 submitters: Likely benign (2). Last evaluated 2018-06-14.

Allele frequency attached by ClinVar (database versions not stated): 1000 Genomes Project 0.00319; 1000 Genomes Project 30x 0.00359; TOPMed 0.00642; gnomAD 0.00776 and 0.00789; gnomAD exomes 0.00846; ESP Exome Variant Server 0.00907; ExAC 0.00908.
gnomAD v4.1: 14,419 of 1,426,312 alleles (1%); highest among the groups gnomAD compares: Non-Finnish European, 1.2%; 103 homozygotes.

Submissions (2):

GeneDx
Classification: Likely benign. Last evaluated: 2018-06-14. Review status: criteria provided, single submitter. Criteria: GeneDx Variant Classification (06012015). Collection method: clinical testing. Allele origin: germline. Affected: yes.
Comment: This variant is considered likely benign or benign based on one or more of the following criteria: it is a conservative change, it occurs at a poorly conserved position in the protein, it is predicted to be benign by multiple in silico algorithms, and/or has population frequency not consistent with disease.

Breakthrough Genomics
Classification: Likely benign. Review status: criteria provided, single submitter. Criteria: ACMG Guidelines, 2015. Collection method: not provided. Allele origin: germline. Inheritance: Autosomal recessive inheritance. Affected: yes.